The following is an entry in ClinVar:

ClinVar aggregate classification (germline): Pathogenic/Likely pathogenic. Review status: criteria provided, multiple submitters, no conflicts (2 of 4 stars). 8 submissions from 8 submitters: Pathogenic (2); Likely pathogenic (6). Last evaluated 2026-09-17.

Conditions:
Metachromatic leukodystrophy (MLD). Also called: Cerebral sclerosis diffuse metachromatic form; CEREBROSIDE SULFATASE DEFICIENCY; METACHROMATIC LEUKOENCEPHALOPATHY; SULFATIDE LIPIDOSIS; Arylsulfatase A Deficiency; ARSA DEFICIENCY. Identifiers: Orphanet 512, MedGen C0023522, MONDO:0018868, OMIM 250100.
ARSA-related disorder. Also called: ARSA-related condition.

Allele frequency attached by ClinVar (database versions not stated): gnomAD 0.00001; TOPMed 0.00001.

Submissions (8):

Laboratory of Experimental Gene Therapy of Hereditary Metabolic Diseases, Research Centre for Medical Genetics
Classification: Likely pathogenic for Metachromatic leukodystrophy. Last evaluated: 2026-09-17. Review status: criteria provided, single submitter. Criteria: ARSA MLD Assertion Criteria V2 2026 09 18. Collection method: clinical testing. Allele origin: germline. Inheritance: Autosomal recessive inheritance. Observed: 1 variant allele, 1 compound heterozygote.
Comment: The previously reported Likely pathogenic classification was reviewed and retained for the accompanying study. External ClinVar record reviewed: VCV001323930.12. Observations from the present referral series were not used to establish pathogenicity.

Myriad Genetics, Inc.
Classification: Likely pathogenic for Metachromatic leukodystrophy. Last evaluated: 2026-08-24. Review status: criteria provided, single submitter. Criteria: Myriad Autosomal Dominant, Autosomal Recessive and X-Linked Classification Criteria (2023). Collection method: clinical testing. Allele origin: unknown.
Comment: NM_000487.5(ARSA):c.244C>T(R82W) is a missense variant classified as likely pathogenic in the context of metachromatic leukodystrophy. R82W has been observed in cases with relevant disease (PMID: 30057904, 32034743). Relevant functional assessments of this variant are not available in the literature. Internal structural analysis of the variant is supportive of pathogenicity. R82W has not been observed in referenced population frequency databases. . Please note: this variant was assessed in the context of healthy population screening.

PreventionGenetics, part of Exact Sciences
Classification: Pathogenic for ARSA-related condition. Last evaluated: 2026-02-14. Review status: criteria provided, single submitter. Criteria: ACMG Guidelines, 2015. Collection method: clinical testing. Allele origin: germline.
Comment: The ARSA c.244C>T variant is predicted to result in the amino acid substitution p.Arg82Trp. This variant is alternatively referred to as R80W using legacy nomenclature. This variant has been reported in the compound heterozygous state in three unrelated individuals with metachromatic leukodystrophy (MLD, Chen et al. 2018. PubMed ID: 30057904; Yang et al. 2020. PubMed ID: 32034743; Internal Data, PreventionGenetics). An alternate nucleotide change affecting the same amino acid (p.Arg82Gln) has been reported in a homozygous state in an individual affected with MLD (Abtahi et al. 2022. PubMed ID: 34554397). The c.244C>T variant has not been reported in a large population database (gnomAD), indicating this variant is rare. This variant is interpreted as pathogenic.

Labcorp Genetics (formerly Invitae), Labcorp
Classification: Pathogenic for Metachromatic leukodystrophy. Last evaluated: 2025-12-19. Review status: criteria provided, single submitter. Criteria: Invitae Variant Classification Sherloc (09022015). Collection method: clinical testing. Allele origin: germline.
Comment: This sequence change replaces arginine, which is basic and polar, with tryptophan, which is neutral and slightly polar, at codon 82 of the ARSA protein (p.Arg82Trp). This variant is not present in population databases (gnomAD no frequency). This missense change has been observed in individual(s) with metachromatic leukodystrophy (PMID: 30057904, 32034743). In at least one individual the data is consistent with being in trans (on the opposite chromosome) from a pathogenic variant. ClinVar contains an entry for this variant (Variation ID: 1323930). Invitae Evidence Modeling of protein sequence and biophysical properties (such as structural, functional, and spatial information, amino acid conservation, physicochemical variation, residue mobility, and thermodynamic stability) indicates that this missense variant is expected to disrupt ARSA protein function with a positive predictive value of 95%. For these reasons, this variant has been classified as Pathogenic.

Natera, Inc.
Classification: Likely pathogenic for Metachromatic leukodystrophy. Last evaluated: 2025-01-06. Review status: criteria provided, single submitter. Criteria: Natera Variant Classification Schema (03/2026). Collection method: clinical testing. Allele origin: germline.
Comment: The c.244C>T variant in ARSA is a missense variant predicted to cause substitution of arginine to tryptophan at amino acid 82. This variant is rare in the general population with a frequency below the threshold expected for the associated phenotype(s). This variant has been observed in one or more individuals affected with the associated recessive disease, as either homozygous or compound heterozygous with a second variant (PMID: 32034743, 30057904). Computational prediction algorithms indicate this variant is likely to affect gene or protein function. Given the available evidence, this variant is classified as Likely Pathogenic.

Fulgent Genetics
Classification: Likely pathogenic for Metachromatic leukodystrophy. Last evaluated: 2024-03-20. Review status: criteria provided, single submitter. Criteria: ACMG Guidelines, 2015. Collection method: clinical testing. Allele origin: germline.

GeneDx
Classification: Likely pathogenic. Last evaluated: 2023-02-03. Review status: criteria provided, single submitter. Criteria: GeneDx Variant Classification Process June 2021. Collection method: clinical testing. Allele origin: germline. Affected: yes.
Comment: Not observed at significant frequency in large population cohorts (gnomAD); In silico analysis supports that this missense variant has a deleterious effect on protein structure/function; This variant is associated with the following publications: (PMID: 32034743, 30057904, 26582918, 24077912)

Revvity Omics, Revvity
Classification: Likely pathogenic for Metachromatic leukodystrophy. Last evaluated: 2019-08-28. Review status: criteria provided, single submitter. Criteria: ACMG Guidelines, 2015. Collection method: clinical testing. Allele origin: germline.

Literature cited by the submitters: PubMed 30057904 (cited by 3 submitters); PubMed 32034743 (cited by 3 submitters).

NM_000487.6(ARSA):c.244C>T (p.Arg82Trp)

Gene: ARSA (arylsulfatase A; minus strand). Cytogenetic location: 22q13.33.
Variant type: single nucleotide variant.
Coding change: c.244C>T on transcript NM_000487.6 (MANE Select); coding-DNA position 244, C replaced by T.
Protein change: p.Arg82Trp; replaces arginine 82 with tryptophan.
Molecular consequence: missense variant. On other transcripts: 5 prime UTR variant (2).
Genome position (GRCh38, 1-based): chr22:50,627,387, G>A on the plus strand (C>T on the coding strand, the complement: ARSA is on the minus strand). VCF-style: chr22-50627387-G-A. GRCh37 (hg19) VCF-style: chr22-51065815-G-A.
Other names: NP_000478.3:p.(Arg82Trp); c.244C>T, p.Arg82Trp (NM_001085425.3, NM_001085426.3, NM_001085427.3); c.-15C>T (NM_001085428.3, NM_001362782.2); short protein forms R82W.
Identifiers: ClinVar variation 1323930 (VCV001323930.14), dbSNP rs1313802305, ClinGen allele CA412181884.
Genomic context (GRCh38, chr22:50,627,387, plus strand): 5'-GGCCCCCCCGGGAGCTGGGCACCAGGACGCCAGGGTACATGCCCATCCGAACCGGGAGCC[G>A]GCCGGTCAGGAGGGCGGCCCTGCGGGACAAGTCACAGAGTCCCTGAGACAGACAGAAATG-3'
Protein context (NP_000478.3, residues 72-92): TPSRAALLTG[Arg82Trp]LPVRMGMYPG